The following is an entry in ClinVar:

NM_006648.4(WNK2):c.4895G>C (p.Arg1632Pro)

Gene: WNK2 (WNK lysine deficient protein kinase 2; plus strand). Cytogenetic location: 9q22.31.
Variant type: single nucleotide variant.
Coding change: c.4895G>C on transcript NM_006648.4 (MANE Select); coding-DNA position 4895, G replaced by C.
Protein change: p.Arg1632Pro; replaces arginine 1632 with proline.
Molecular consequence: missense variant.
Genome position (GRCh38, 1-based): chr9:93,290,006, G>C. VCF-style: chr9-93290006-G-C. GRCh37 (hg19) VCF-style: chr9-96052288-G-C.
Other names: c.5006G>C, p.Arg1669Pro (NM_001282394.3); short protein forms R1669P, R1632P.
Identifiers: ClinVar variation 4605360 (VCV004605360.1).

ClinVar aggregate classification (germline): Uncertain significance (1 of 4 stars; one submission).

Submission:

Ambry Genetics
Classification: Uncertain significance. Last evaluated: 2025-11-12. Review status: criteria provided, single submitter. Criteria: Ambry Variant Classification Scheme 2023. Collection method: clinical testing. Allele origin: germline.
Comment: The p.R1632P variant (also known as c.4895G>C), located in coding exon 20 of the WNK2 gene, results from a G to C substitution at nucleotide position 4895. The arginine at codon 1632 is replaced by proline, an amino acid with dissimilar properties. This amino acid position is conserved. In addition, this alteration is predicted to be tolerated by in silico analysis. Based on the available evidence, the clinical significance of this variant remains unclear.